The following is an entry in ClinVar:

NM_004260.4(RECQL4):c.1939C>T (p.Arg647Cys)

Gene: RECQL4 (RecQ like helicase 4; minus strand). Cytogenetic location: 8q24.3.
Variant type: single nucleotide variant.
Coding change: c.1939C>T on transcript NM_004260.4 (MANE Select); coding-DNA position 1939, C replaced by T.
Protein change: p.Arg647Cys; replaces arginine 647 with cysteine.
Molecular consequence: missense variant.
Genome position (GRCh38, 1-based): chr8:144,514,047, G>A on the plus strand (C>T on the coding strand, the complement: RECQL4 is on the minus strand). VCF-style: chr8-144514047-G-A. GRCh37 (hg19) VCF-style: chr8-145739431-G-A.
Other names: short protein forms R647C.
Identifiers: ClinVar variation 567345 (VCV000567345.11), dbSNP rs775127620, ClinGen allele CA4948569.

ClinVar aggregate classification (germline): Uncertain significance. Review status: criteria provided, multiple submitters, no conflicts (2 of 4 stars). 3 submissions from 3 submitters: Uncertain significance (3). Last evaluated 2025-11-25.

Conditions:
Baller-Gerold syndrome (BGS). Also called: CRANIOSYNOSTOSIS WITH RADIAL DEFECTS. Identifiers: Orphanet 1225, MedGen C0265308, MONDO:0009039, OMIM 218600.

Allele frequency attached by ClinVar (database versions not stated): gnomAD exomes 0.00001; TOPMed 0.00001; ExAC 0.00003; gnomAD 0.00003.
gnomAD v4.1: 44 of 1,581,154 alleles (0.0028%); highest among the groups gnomAD compares: African/African-American, 0.004%; no homozygotes.

Submissions (3):

Labcorp Genetics (formerly Invitae), Labcorp
Classification: Uncertain significance for Baller-Gerold syndrome. Last evaluated: 2025-11-25. Review status: criteria provided, single submitter. Criteria: Invitae Variant Classification Sherloc (09022015). Collection method: clinical testing. Allele origin: germline.
Comment: This sequence change replaces arginine, which is basic and polar, with cysteine, which is neutral and slightly polar, at codon 647 of the RECQL4 protein (p.Arg647Cys). The frequency data for this variant in the population databases is considered unreliable, as metrics indicate poor data quality at this position in the gnomAD database. This variant has not been reported in the literature in individuals affected with RECQL4-related conditions. ClinVar contains an entry for this variant (Variation ID: 567345). Invitae Evidence Modeling of protein sequence and biophysical properties (such as structural, functional, and spatial information, amino acid conservation, physicochemical variation, residue mobility, and thermodynamic stability) indicates that this missense variant is not expected to disrupt RECQL4 protein function with a negative predictive value of 80%. In summary, the available evidence is currently insufficient to determine the role of this variant in disease. Therefore, it has been classified as a Variant of Uncertain Significance.

GeneDx
Classification: Uncertain significance. Last evaluated: 2025-09-23. Review status: criteria provided, single submitter. Criteria: GeneDx Variant Classification Process June 2021. Collection method: clinical testing. Allele origin: germline. Affected: yes.
Comment: In silico analysis suggests that this missense variant does not alter protein structure/function; Has not been previously published as pathogenic or benign to our knowledge

Blueprint Genetics
Classification: Uncertain significance. Last evaluated: 2020-01-31. Review status: criteria provided, single submitter. Criteria: ACMG Guidelines, 2015. Collection method: clinical testing. Allele origin: germline.